The following is an entry in ClinVar:

ClinVar aggregate classification (germline): Uncertain significance (1 of 4 stars; one submission).

gnomAD v4.1: 1 of 1,613,726 alleles (0.000062%); highest among the groups gnomAD compares: Non-Finnish European, 0.000085%; no homozygotes.

Submission:

Labcorp Genetics (formerly Invitae), Labcorp
Classification: Uncertain significance. Last evaluated: 2024-04-03. Review status: criteria provided, single submitter. Criteria: Invitae Variant Classification Sherloc (09022015). Collection method: clinical testing. Allele origin: germline.
Comment: This sequence change replaces asparagine, which is neutral and polar, with serine, which is neutral and polar, at codon 1902 of the CDH23 protein (p.Asn1902Ser). This variant is not present in population databases (gnomAD no frequency). This variant has not been reported in the literature in individuals affected with CDH23-related conditions. Advanced modeling of protein sequence and biophysical properties (such as structural, functional, and spatial information, amino acid conservation, physicochemical variation, residue mobility, and thermodynamic stability) performed at Invitae indicates that this missense variant is not expected to disrupt CDH23 protein function with a negative predictive value of 95%. In summary, the available evidence is currently insufficient to determine the role of this variant in disease. Therefore, it has been classified as a Variant of Uncertain Significance.

NM_022124.6(CDH23):c.5705A>G (p.Asn1902Ser)

Gene: CDH23 (cadherin related 23; plus strand). Cytogenetic location: 10q22.1.
Variant type: single nucleotide variant.
Coding change: c.5705A>G on transcript NM_022124.6 (MANE Select); coding-DNA position 5705, A replaced by G.
Protein change: p.Asn1902Ser; replaces asparagine 1902 with serine.
Molecular consequence: missense variant.
Genome position (GRCh38, 1-based): chr10:71,785,093, A>G. VCF-style: chr10-71785093-A-G. GRCh37 (hg19) VCF-style: chr10-73544850-A-G.
Other names: short protein forms N1902S.
Identifiers: ClinVar variation 3676345 (VCV003676345.2).